The following is an entry in ClinVar:

ClinVar aggregate classification (germline): Uncertain significance (1 of 4 stars; one submission).

Submission:

Labcorp Genetics (formerly Invitae), Labcorp
Classification: Uncertain significance. Last evaluated: 2024-03-07. Review status: criteria provided, single submitter. Criteria: Invitae Variant Classification Sherloc (09022015). Collection method: clinical testing. Allele origin: germline.
Comment: This sequence change replaces alanine, which is neutral and non-polar, with threonine, which is neutral and polar, at codon 198 of the VCAN protein (p.Ala198Thr). This variant is not present in population databases (gnomAD no frequency). This variant has not been reported in the literature in individuals affected with VCAN-related conditions. An algorithm developed to predict the effect of missense changes on protein structure and function (PolyPhen-2) suggests that this variant is likely to be disruptive. In summary, the available evidence is currently insufficient to determine the role of this variant in disease. Therefore, it has been classified as a Variant of Uncertain Significance.

NM_004385.5(VCAN):c.592G>A (p.Ala198Thr)

Gene: VCAN (versican; plus strand). Cytogenetic location: 5q14.2.
Variant type: single nucleotide variant.
Coding change: c.592G>A on transcript NM_004385.5 (MANE Select); coding-DNA position 592, G replaced by A.
Protein change: p.Ala198Thr; replaces alanine 198 with threonine.
Molecular consequence: missense variant.
Genome position (GRCh38, 1-based): chr5:83,493,692, G>A. VCF-style: chr5-83493692-G-A. GRCh37 (hg19) VCF-style: chr5-82789511-G-A.
Other names: c.592G>A, p.Ala198Thr (NM_001126336.3, NM_001164097.2, NM_001164098.2); short protein forms A198T.
Identifiers: ClinVar variation 3644944 (VCV003644944.2).
Genomic context (GRCh38, chr5:83,493,692, plus strand): 5'-GTCATAGCAACTCCAGAGCAGCTCTTTGCTGCCTATGAAGATGGATTTGAGCAGTGTGAC[G>A]CAGGCTGGCTGGCTGATCAGACTGTCAGGTAAGAGGTCTGGGGGCCACAGGCTTCATTAT-3'
Protein context (NP_004376.2, residues 188-208): AYEDGFEQCD[Ala198Thr]GWLADQTVRY